The following is an entry in ClinVar:

ClinVar aggregate classification (germline): Uncertain significance (1 of 4 stars; one submission).

Submission:

GeneDx
Classification: Uncertain significance. Last evaluated: 2026-03-16. Review status: criteria provided, single submitter. Criteria: GeneDx Variant Classification Process June 2021. Collection method: clinical testing. Allele origin: germline.
Comment: Not observed at significant frequency in large population cohorts (gnomAD); In silico analysis supports that this missense variant has a deleterious effect on protein structure/function; Has not been previously published as pathogenic or benign to our knowledge; Also known as p.(I4427N)

NM_000384.3(APOB):c.13361T>A (p.Ile4454Asn)

Gene: APOB (apolipoprotein B; minus strand). Cytogenetic location: 2p24.1.
Variant type: single nucleotide variant.
Coding change: c.13361T>A on transcript NM_000384.3 (MANE Select); coding-DNA position 13361, T replaced by A.
Protein change: p.Ile4454Asn; replaces isoleucine 4454 with asparagine.
Molecular consequence: missense variant.
Genome position (GRCh38, 1-based): chr2:21,002,061, A>T on the plus strand (T>A on the coding strand, the complement: APOB is on the minus strand). VCF-style: chr2-21002061-A-T. GRCh37 (hg19) VCF-style: chr2-21224933-A-T.
Other names: short protein forms I4454N.
Identifiers: ClinVar variation 5016992 (VCV005016992.1).